The following is an entry in ClinVar:

NM_004304.5(ALK):c.4799G>C (p.Gly1600Ala)

Gene: ALK (ALK receptor tyrosine kinase; minus strand). Cytogenetic location: 2p23.2.
Variant type: single nucleotide variant.
Coding change: c.4799G>C on transcript NM_004304.5 (MANE Select); coding-DNA position 4799, G replaced by C.
Protein change: p.Gly1600Ala; replaces glycine 1600 with alanine.
Molecular consequence: missense variant.
Genome position (GRCh38, 1-based): chr2:29,193,288, C>G on the plus strand (G>C on the coding strand, the complement: ALK is on the minus strand). VCF-style: chr2-29193288-C-G. GRCh37 (hg19) VCF-style: chr2-29416154-C-G.
Other names: c.1595G>C, p.Gly532Ala (NM_001353765.2); short protein forms G1600A, G532A.
Identifiers: ClinVar variation 4040889 (VCV004040889.1).

ClinVar aggregate classification (germline): Uncertain significance (1 of 4 stars; one submission).

Conditions:
Hereditary cancer-predisposing syndrome. Also called: Neoplastic Syndromes, Hereditary; Tumor predisposition; Hereditary neoplastic syndrome; Hereditary Cancer Syndrome. Identifiers: Orphanet 140162, MedGen C0027672, MeSH D009386, MONDO:0015356.

gnomAD v4.1: 1 of 1,614,108 alleles (0.000062%); highest among the groups gnomAD compares: Non-Finnish European, 0.000085%; no homozygotes.

Submission:

Ambry Genetics
Classification: Uncertain significance for Hereditary cancer-predisposing syndrome. Last evaluated: 2025-05-15. Review status: criteria provided, single submitter. Criteria: Ambry Variant Classification Scheme 2023. Collection method: clinical testing. Allele origin: germline.
Comment: The p.G1600A variant (also known as c.4799G>C), located in coding exon 29 of the ALK gene, results from a G to C substitution at nucleotide position 4799. The glycine at codon 1600 is replaced by alanine, an amino acid with similar properties. This amino acid position is conserved. In addition, this alteration is predicted to be tolerated by in silico analysis. Based on the available evidence, the clinical significance of this variant remains unclear.